The following is an entry in ClinVar:

NM_000944.5(PPP3CA):c.1094T>C (p.Leu365Pro)

Gene: PPP3CA (protein phosphatase 3 catalytic subunit alpha; minus strand). Cytogenetic location: 4q24.
Variant type: single nucleotide variant.
Coding change: c.1094T>C on transcript NM_000944.5 (MANE Select); coding-DNA position 1094, T replaced by C.
Protein change: p.Leu365Pro; replaces leucine 365 with proline.
Molecular consequence: missense variant.
Genome position (GRCh38, 1-based): chr4:101,061,149, A>G on the plus strand (T>C on the coding strand, the complement: PPP3CA is on the minus strand). VCF-style: chr4-101061149-A-G. GRCh37 (hg19) VCF-style: chr4-101982306-A-G.
Other names: c.1094T>C, p.Leu365Pro (NM_001130691.2); c.968T>C, p.Leu323Pro (NM_001130692.2); short protein forms L323P, L365P.
Identifiers: ClinVar variation 1806760 (VCV001806760.1), dbSNP rs2476259292, ClinGen allele CA357948708.
Genomic context (GRCh38, chr4:101,061,149, plus strand): 5'-TCAAATCCATCTTCTTCTGACCCTAGTTCATCATCTGAGCAGATGTTGAGGACATTTACC[A>G]GCATCTCAGTCACTAAAGAGAGAAAGCAAAGAAAGAAAAGTCAGGGTTTTCTGTTATAAC-3'
Protein context (NP_000935.1, residues 355-375): PFVGEKVTEM[Leu365Pro]VNVLNICSDD

ClinVar aggregate classification (germline): Uncertain significance (1 of 4 stars; one submission).

Submission:

GeneDx
Classification: Uncertain significance. Last evaluated: 2022-06-24. Review status: criteria provided, single submitter. Criteria: GeneDx Variant Classification Process June 2021. Collection method: clinical testing. Allele origin: germline. Affected: yes.
Comment: Not observed at significant frequency in large population cohorts (gnomAD); In silico analysis supports that this missense variant has a deleterious effect on protein structure/function; Has not been previously published as pathogenic or benign to our knowledge